The following is an entry in ClinVar:

ClinVar aggregate classification (germline): Uncertain significance (1 of 4 stars; one submission).

Conditions:
Spermatogenic failure 18. Identifiers: MedGen C4539783, MONDO:0054615, OMIM 617576.
Ciliary dyskinesia, primary, 37 (CILD37). Also called: CILIARY DYSKINESIA, PRIMARY, 37, WITH OR WITHOUT SITUS INVERSUS. Identifiers: MedGen C4539798, MONDO:0033204, OMIM 617577.

Allele frequency attached by ClinVar (database versions not stated): TOPMed 0.00001.

Submission:

Labcorp Genetics (formerly Invitae), Labcorp
Classification: Uncertain significance for Ciliary dyskinesia, primary, 37; Spermatogenic failure 18. Last evaluated: 2021-10-05. Review status: criteria provided, single submitter. Criteria: Invitae Variant Classification Sherloc (09022015). Collection method: clinical testing. Allele origin: germline.
Comment: Variants that disrupt the consensus splice site are a relatively common cause of aberrant splicing (PMID: 17576681, 9536098). Algorithms developed to predict the effect of sequence changes on RNA splicing suggest that this variant is not likely to affect RNA splicing. This variant has not been reported in the literature in individuals affected with DNAH1-related conditions. This variant is not present in population databases (ExAC no frequency). This sequence change falls in intron 23 of the DNAH1 gene. It does not directly change the encoded amino acid sequence of the DNAH1 protein. It affects a nucleotide within the consensus splice site of the intron. In summary, the available evidence is currently insufficient to determine the role of this variant in disease. Therefore, it has been classified as a Variant of Uncertain Significance.

Literature cited by the submitters: PubMed 17576681; PubMed 9536098.

NM_015512.5(DNAH1):c.3980+4G>C

Gene: DNAH1 (dynein axonemal heavy chain 1; plus strand). Cytogenetic location: 3p21.1.
Variant type: single nucleotide variant.
Coding change: c.3980+4G>C on transcript NM_015512.5 (MANE Select); 4 bases into the intron after coding-DNA position 3980, G replaced by C.
Molecular consequence: intron variant.
Genome position (GRCh38, 1-based): chr3:52,357,739, G>C. VCF-style: chr3-52357739-G-C. GRCh37 (hg19) VCF-style: chr3-52391755-G-C.
Identifiers: ClinVar variation 1428371 (VCV001428371.6), dbSNP rs1327933716, ClinGen allele CA1364819222.
Genomic context (GRCh38, chr3:52,357,739, plus strand): 5'-CCTGGTGCAGAAGGGCCTCAGCGAGTATCTGGAGACCAAGAGGAGCGCCTTCCCCAGGTG[G>C]GCGCCACCTGGCCATGCCCACTCCGCCACTGTCTGCCCACAAGGCTGAGGTGTCCAGGGC-3'